The following is an entry in ClinVar:

NM_001039591.3(USP9X):c.2681A>G (p.Asn894Ser)

Gene: USP9X (ubiquitin specific peptidase 9 X-linked; plus strand). Cytogenetic location: Xp11.4.
Variant type: single nucleotide variant.
Coding change: c.2681A>G on transcript NM_001039591.3 (MANE Select); coding-DNA position 2681, A replaced by G.
Protein change: p.Asn894Ser; replaces asparagine 894 with serine.
Molecular consequence: missense variant.
Genome position (GRCh38, 1-based): chrX:41,170,039, A>G. VCF-style: chrX-41170039-A-G. GRCh37 (hg19) VCF-style: chrX-41029292-A-G.
Other names: NC_000023.10:g.41029292A>G; c.2681A>G, p.Asn894Ser (NM_001039590.3); c.2696A>G, p.Asn899Ser (NM_001410748.1, NM_001410749.1); short protein forms N894S, N899S.
Identifiers: ClinVar variation 3600866 (VCV003600866.2).

ClinVar aggregate classification (germline): Uncertain significance (1 of 4 stars; one submission).

Submissions (3):

GeneDx
Classification: Uncertain significance. Last evaluated: 2024-07-23. Review status: criteria provided, single submitter. Criteria: GeneDx Variant Classification Process June 2021. Collection method: clinical testing. Allele origin: germline. Affected: yes.
Comment: Not observed at significant frequency in large population cohorts (gnomAD); In silico analysis indicates that this missense variant does not alter protein structure/function; Has not been previously published as pathogenic or benign to our knowledge

Dr. Peter K. Rogan Lab, Western University
No classification provided (evidence only). Condition: Nonpapillary renal cell carcinoma. Review status: no classification provided. Collection method: in vitro. Allele origin: not applicable. Functional consequence: retained intron. Not counted in ClinVar's aggregate classification.

Dr. Peter K. Rogan Lab, Western University
No classification provided (evidence only). Condition: Nonpapillary renal cell carcinoma. Review status: no classification provided. Collection method: in vitro. Allele origin: not applicable. Functional consequence: retained intron. Not counted in ClinVar's aggregate classification.